The following is an entry in ClinVar:

ClinVar aggregate classification (germline): Uncertain significance (1 of 4 stars; one submission).

Allele frequency attached by ClinVar (database versions not stated): gnomAD exomes below 0.00001; TOPMed below 0.00001; gnomAD 0.00001.
gnomAD v4.1: 5 of 1,613,202 alleles (0.00031%); highest among the groups gnomAD compares: Non-Finnish European, 0.00042%; no homozygotes.

Submission:

Greenwood Genetic Center Diagnostic Laboratories, Greenwood Genetic Center
Classification: Uncertain significance. Last evaluated: 2021-02-15. Review status: criteria provided, single submitter. Criteria: ACMG Guidelines, 2015. Collection method: clinical testing. Allele origin: germline. Affected: yes.
Comment: PP3, PM2

NM_002972.4(SBF1):c.4513T>G (p.Phe1505Val)

Gene: SBF1 (SET binding factor 1; minus strand). Cytogenetic location: 22q13.33.
Variant type: single nucleotide variant.
Coding change: c.4513T>G on transcript NM_002972.4 (MANE Select); coding-DNA position 4513, T replaced by G.
Protein change: p.Phe1505Val; replaces phenylalanine 1505 with valine.
Molecular consequence: missense variant.
Genome position (GRCh38, 1-based): chr22:50,455,265, A>C on the plus strand (T>G on the coding strand, the complement: SBF1 is on the minus strand). VCF-style: chr22-50455265-A-C. GRCh37 (hg19) VCF-style: chr22-50893694-A-C.
Other names: c.4438T>G, p.Phe1480Val (NM_001365819.1); short protein forms F1480V, F1505V.
Identifiers: ClinVar variation 1331585 (VCV001331585.4), dbSNP rs1322288085, ClinGen allele CA412195621.